The following is an entry in ClinVar:

ClinVar aggregate classification (germline): Uncertain significance. Review status: criteria provided, multiple submitters, no conflicts (2 of 4 stars). 2 submissions from 2 submitters: Uncertain significance (2). Last evaluated 2022-11-22.

Conditions:
Spastic paraplegia. Identifiers: MedGen C0037772, HP:0001258.
Hereditary spastic paraplegia. Also called: Familial spastic paraparesis. Identifiers: Orphanet 685, MedGen C0037773, MONDO:0019064. Disease mechanism: loss of function.

Submissions (2):

Labcorp Genetics (formerly Invitae), Labcorp
Classification: Uncertain significance for Spastic paraplegia. Last evaluated: 2022-11-22. Review status: criteria provided, single submitter. Criteria: Invitae Variant Classification Sherloc (09022015). Collection method: clinical testing. Allele origin: germline.
Comment: Advanced modeling of protein sequence and biophysical properties (such as structural, functional, and spatial information, amino acid conservation, physicochemical variation, residue mobility, and thermodynamic stability) performed at Invitae indicates that this missense variant is not expected to disrupt KIF5A protein function. In summary, the available evidence is currently insufficient to determine the role of this variant in disease. Therefore, it has been classified as a Variant of Uncertain Significance. ClinVar contains an entry for this variant (Variation ID: 1344419). This variant has not been reported in the literature in individuals affected with KIF5A-related conditions. This variant is not present in population databases (gnomAD no frequency). This sequence change replaces leucine, which is neutral and non-polar, with phenylalanine, which is neutral and non-polar, at codon 957 of the KIF5A protein (p.Leu957Phe).

Genome Diagnostics Laboratory, The Hospital for Sick Children
Classification: Uncertain significance for Hereditary spastic paraplegia. Last evaluated: 2021-06-16. Review status: criteria provided, single submitter. Criteria: ACMG Guidelines, 2015. Collection method: clinical testing. Allele origin: germline. Affected: yes.

NM_004984.4(KIF5A):c.2869C>T (p.Leu957Phe)

Gene: KIF5A (kinesin family member 5A; plus strand). Cytogenetic location: 12q13.3.
Variant type: single nucleotide variant.
Coding change: c.2869C>T on transcript NM_004984.4 (MANE Select); coding-DNA position 2869, C replaced by T.
Protein change: p.Leu957Phe; replaces leucine 957 with phenylalanine.
Molecular consequence: missense variant.
Genome position (GRCh38, 1-based): chr12:57,581,528, C>T. VCF-style: chr12-57581528-C-T. GRCh37 (hg19) VCF-style: chr12-57975311-C-T.
Other names: c.2602C>T, p.Leu868Phe (NM_001354705.2); short protein forms L868F, L957F.
Identifiers: ClinVar variation 1344419 (VCV001344419.11), dbSNP rs1882602063, ClinGen allele CA385516040.